The following is an entry in ClinVar:

ClinVar aggregate classification (germline): Pathogenic (1 of 4 stars; one submission).

Conditions:
Acrocallosal syndrome (ACLS). Also called: Schinzel syndrome 1; Absence of corpus callosum with unusual facial appearance, mental deficiency, duplication of the halluces and polydactyly; HALLUX DUPLICATION, POSTAXIAL POLYDACTYLY, AND ABSENCE OF CORPUS CALLOSUM. Identifiers: Orphanet 36, MedGen C0796147, MONDO:0008708, OMIM 200990.

Submission:

Labcorp Genetics (formerly Invitae), Labcorp
Classification: Pathogenic for Acrocallosal syndrome. Last evaluated: 2022-06-05. Review status: criteria provided, single submitter. Criteria: Invitae Variant Classification Sherloc (09022015). Collection method: clinical testing. Allele origin: germline.
Comment: This premature translational stop signal has been observed in individual(s) with acrocallosal syndrome (PMID: 26349186). For these reasons, this variant has been classified as Pathogenic. ClinVar contains an entry for this variant (Variation ID: 1422094). This variant is present in population databases (rs772716663, gnomAD 0.003%). This sequence change creates a premature translational stop signal (p.Leu568Profs*21) in the KIF7 gene. It is expected to result in an absent or disrupted protein product. Loss-of-function variants in KIF7 are known to be pathogenic (PMID: 19666503, 21552264, 21633164, 26648833).

Literature cited by the submitters: PubMed 26349186; PubMed 19666503; PubMed 21552264; PubMed 21633164; PubMed 26648833.

NM_198525.3(KIF7):c.1702dup (p.Leu568fs)

Gene: KIF7 (kinesin family member 7; minus strand). Cytogenetic location: 15q26.1.
Variant type: Duplication.
Coding change: c.1702dup on transcript NM_198525.3 (MANE Select); coding-DNA position 1702, one base duplicated (C; older notation c.1702dupC).
Protein change: p.Leu568fs; shifts the reading frame from leucine 568.
Molecular consequence: frameshift variant.
Genome position (GRCh38, 1-based): chr15:89,646,916, G duplicated on the plus strand (C on the coding strand, the reverse complement: KIF7 is on the minus strand); the first of 6 consecutive G bases (chr15:89,646,916-89,646,921); duplicating any one gives the same sequence. VCF-style (leftmost placement, unchanged base first): chr15-89646915-A-AG. GRCh37 (hg19) VCF-style: chr15-90190146-A-AG.
Other names: short protein forms L568fs.
Identifiers: ClinVar variation 1422094 (VCV001422094.6), dbSNP rs772716663, ClinGen allele CA7728484.